The following is an entry in ClinVar:

NM_201384.3(PLEC):c.8995C>T (p.Gln2999Ter)

Gene: PLEC (plectin; minus strand). Cytogenetic location: 8q24.3.
Variant type: single nucleotide variant.
Coding change: c.8995C>T on transcript NM_201384.3 (MANE Select); coding-DNA position 8995, C replaced by T.
Protein change: p.Gln2999Ter; replaces glutamine 2999 with a stop codon.
Molecular consequence: nonsense.
Genome position (GRCh38, 1-based): chr8:143,920,826, G>A on the plus strand (C>T on the coding strand, the complement: PLEC is on the minus strand). VCF-style: chr8-143920826-G-A. GRCh37 (hg19) VCF-style: chr8-144994994-G-A.
Other names: c.9076C>T, p.Gln3026Ter (NM_000445.5); c.5695C>T, p.Gln1899Ter (NM_001410941.1); c.8953C>T, p.Gln2985Ter (NM_201378.4); c.8929C>T, p.Gln2977Ter (NM_201379.3); c.9406C>T, p.Gln3136Ter (NM_201380.4); c.8899C>T, p.Gln2967Ter (NM_201381.3); c.8995C>T, p.Gln2999Ter (NM_201382.4); c.9007C>T, p.Gln3003Ter (NM_201383.3); and 1 more; short protein forms Q1899*, Q2967*, Q2977*, Q2985*, Q2999*, Q3003*, Q3026*, Q3136*.
Identifiers: ClinVar variation 2503920 (VCV002503920.1), dbSNP rs1554683130, ClinGen allele CA372514451.

ClinVar aggregate classification (germline): Likely pathogenic (1 of 4 stars; one submission).

Conditions:
PLEC-related disorder. Also called: PLEC-related disorders; PLEC-related condition.

Submission:

Women's Health and Genetics/Laboratory Corporation of America, LabCorp
Classification: Likely pathogenic for PLEC-Related Disorders. Last evaluated: 2023-04-24. Review status: criteria provided, single submitter. Criteria: LabCorp Variant Classification Summary - May 2015. Collection method: clinical testing. Allele origin: germline.
Comment: Variant summary: PLEC1 c.9076C>T (p.Gln3026X) results in a premature termination codon, predicted to cause a truncation of the encoded protein or absence of the protein due to nonsense mediated decay, which are commonly known mechanisms for disease. Variants downstream of this position have been classified as pathogenic in ClinVar and found in patients with Muscular dystrophy with epidermolysis bullosa in HGMD. The variant allele was found at a frequency of 4.2e-06 in 238050 control chromosomes (gnomAD). To our knowledge, no occurrence of c.9076C>T in individuals affected with PLEC1-Related Disorders and no experimental evidence demonstrating its impact on protein function have been reported. No clinical diagnostic laboratories have submitted clinical-significance assessments for this variant to ClinVar after 2014. Based on the evidence outlined above, the variant was classified as likely pathogenic.